The following is an entry in ClinVar:

ClinVar aggregate classification (germline): Uncertain significance. Review status: criteria provided, multiple submitters, no conflicts (2 of 4 stars). 2 submissions from 2 submitters: Uncertain significance (2). Last evaluated 2026-08-09.

Conditions:
HOXA2-related disorder. Also called: HOXA2-related condition.

Submissions (2):

PreventionGenetics, part of Exact Sciences
Classification: Uncertain significance for HOXA2-related condition. Last evaluated: 2026-08-09. Review status: criteria provided, single submitter. Criteria: ACMG Guidelines, 2015. Collection method: clinical testing. Allele origin: germline.
Comment: The HOXA2 c.772C>G variant is predicted to result in the amino acid substitution p.Gln258Glu. To our knowledge, this variant has not been reported in the literature. This variant is reported in 0.00088% of alleles in individuals of European (Non-Finnish) descent in gnomAD. At this time, the clinical significance of this variant is uncertain due to the absence of conclusive functional and genetic evidence.

Women's Health and Genetics/Laboratory Corporation of America, LabCorp
Classification: Uncertain significance. Last evaluated: 2026-05-04. Review status: criteria provided, single submitter. Criteria: LabCorp Variant Classification Summary - May 2015. Collection method: clinical testing. Allele origin: germline.
Comment: Variant summary: HOXA2 c.772C>G (p.Gln258Glu) results in a conservative amino acid change in the encoded protein sequence. Algorithms developed to predict the effect of missense changes on protein structure and function are either unavailable or do not agree on the potential impact of this missense change. The variant allele was found at a frequency of 4e-06 in 251470 control chromosomes. The available data on variant occurrences in the general population are insufficient to allow any conclusion about variant significance. To our knowledge, no occurrence of c.772C>G in individuals affected with HOXA2-related conditions and no experimental evidence demonstrating its impact on protein function have been reported. No submitters have cited clinical-significance assessments for this variant to ClinVar. Based on the evidence outlined above, the variant was classified as uncertain significance.

NM_006735.4(HOXA2):c.772C>G (p.Gln258Glu)

Gene: HOXA2 (homeobox A2; minus strand). Cytogenetic location: 7p15.2.
Variant type: single nucleotide variant.
Coding change: c.772C>G on transcript NM_006735.4 (MANE Select); coding-DNA position 772, C replaced by G.
Protein change: p.Gln258Glu; replaces glutamine 258 with glutamic acid.
Molecular consequence: missense variant.
Genome position (GRCh38, 1-based): chr7:27,101,085, G>C on the plus strand (C>G on the coding strand, the complement: HOXA2 is on the minus strand). VCF-style: chr7-27101085-G-C. GRCh37 (hg19) VCF-style: chr7-27140704-G-C.
Other names: c.772C>G (NM_006735.3); short protein forms Q258E.
Identifiers: ClinVar variation 4853574 (VCV004853574.2).
Genomic context (GRCh38, chr7:27,101,085, plus strand): 5'-TTAAAGGCGAGACTGGGAAACTTTGGGAGTCGCCATTGTGTCCATTGGGAGCCTGCTGCT[G>C]AGAGAGGGCATTTTGCTGAAAAGTGTAGCCTTCCCTCTCCAGAAGGGCCCCAGAGACGCT-3'
Protein context (NP_006726.1, residues 248-268): GYTFQQNALS[Gln258Glu]QQAPNGHNGD